The following is an entry in ClinVar:

NM_006005.3(WFS1):c.1734C>T (p.Ala578=)

Gene: WFS1 (wolframin ER transmembrane glycoprotein; plus strand). Cytogenetic location: 4p16.1.
Variant type: single nucleotide variant.
Coding change: c.1734C>T on transcript NM_006005.3 (MANE Select); coding-DNA position 1734, C replaced by T.
Protein change: p.Ala578=; no amino-acid change (alanine 578 retained).
Molecular consequence: synonymous variant.
Genome position (GRCh38, 1-based): chr4:6,301,529, C>T. VCF-style: chr4-6301529-C-T. GRCh37 (hg19) VCF-style: chr4-6303256-C-T.
Other names: c.1734C>T, p.Ala578= (NM_001145853.1).
Identifiers: ClinVar variation 1593444 (VCV001593444.11), dbSNP rs964981863, ClinGen allele CA91796502.

ClinVar aggregate classification (germline): Likely benign. Review status: criteria provided, multiple submitters, no conflicts (2 of 4 stars). 3 submissions from 3 submitters: Likely benign (2). 1 of the submissions does not count toward it. Last evaluated 2025-09-19.

Conditions:
WFS1-related disorder. Identifiers: MedGen CN379391, MONDO:0700293.

Allele frequency attached by ClinVar (database versions not stated): gnomAD 0.00009 and 0.00010.
gnomAD v4.1: 28 of 1,613,826 alleles (0.0017%); highest among the groups gnomAD compares: African/African-American, 0.032%; no homozygotes.

Submissions (3):

Labcorp Genetics (formerly Invitae), Labcorp
Classification: Likely benign. Last evaluated: 2025-09-19. Review status: criteria provided, single submitter. Criteria: Invitae Variant Classification Sherloc (09022015). Collection method: clinical testing. Allele origin: germline.

Blueprint Genetics
Classification: Likely benign. Last evaluated: 2022-05-06. Review status: criteria provided, single submitter. Criteria: ACMG Guidelines, 2015. Collection method: clinical testing. Allele origin: germline.

PreventionGenetics, part of Exact Sciences
Classification: Likely benign for WFS1-related condition. Last evaluated: 2023-07-18. Review status: no assertion criteria provided. Collection method: clinical testing. Allele origin: germline. Not counted in ClinVar's aggregate classification.
Comment: This variant is classified as likely benign based on ACMG/AMP sequence variant interpretation guidelines (Richards et al. 2015 PMID: 25741868, with internal and published modifications).